The following is an entry in ClinVar:

NM_000393.5(COL5A2):c.2770-306A>G

Gene: COL5A2 (collagen type V alpha 2 chain; minus strand). Cytogenetic location: 2q32.2.
Variant type: single nucleotide variant.
Coding change: c.2770-306A>G on transcript NM_000393.5 (MANE Select); 306 bases into the intron before coding-DNA position 2770, A replaced by G.
Molecular consequence: intron variant.
Genome position (GRCh38, 1-based): chr2:189,051,787, T>C on the plus strand (A>G on the coding strand, the complement: COL5A2 is on the minus strand). VCF-style: chr2-189051787-T-C. GRCh37 (hg19) VCF-style: chr2-189916513-T-C.
Identifiers: ClinVar variation 681212 (VCV000681212.1), dbSNP rs7423973, ClinGen allele CA62596019.

ClinVar aggregate classification (germline): Benign (1 of 4 stars; one submission).

Allele frequency attached by ClinVar (database versions not stated): 1000 Genomes Project 30x 0.63663; 1000 Genomes Project 0.64097; TOPMed 0.69152; gnomAD 0.70967 and 0.71058.

Submission:

GeneDx
Classification: Benign. Last evaluated: 2018-06-14. Review status: criteria provided, single submitter. Criteria: GeneDx Variant Classification (06012015). Collection method: clinical testing. Allele origin: germline. Affected: yes.
Comment: This variant is considered likely benign or benign based on one or more of the following criteria: it is a conservative change, it occurs at a poorly conserved position in the protein, it is predicted to be benign by multiple in silico algorithms, and/or has population frequency not consistent with disease.